The following is an entry in ClinVar:

ClinVar aggregate classification (germline): Pathogenic (1 of 4 stars; one submission).

Conditions:
Hermansky-Pudlak syndrome 3 (HPS3). Identifiers: Orphanet 231512, Orphanet 79430, MedGen C3888001, MONDO:0013555, OMIM 614072.

Submission:

Myriad Genetics, Inc.
Classification: Pathogenic for Hermansky-Pudlak syndrome 3. Last evaluated: 2024-05-14. Review status: criteria provided, single submitter. Criteria: Myriad Autosomal Dominant, Autosomal Recessive and X-Linked Classification Criteria (2023). Collection method: clinical testing. Allele origin: unknown.
Comment: NM_032383.3(HPS3):c.2716C>T(Q906*) is expected to be pathogenic in the context of Hermansky-Pudlak syndrome, HPS3-related. This variant is predicted to lead to an abnormal or absent protein product due to the creation of a premature termination codon in HPS3, a gene where loss-of-function variants are known to be pathogenic. Please note: this variant was assessed in the context of healthy population screening.

NM_032383.5(HPS3):c.2716C>T (p.Gln906Ter)

Genes: CP (ceruloplasmin; minus strand), HPS3 (HPS3 biogenesis of lysosomal organelles complex 2 subunit 1; plus strand). Cytogenetic location: 3q24.
Variant type: single nucleotide variant.
Coding change: c.2716C>T on transcript NM_032383.5 (MANE Select); coding-DNA position 2716, C replaced by T.
Protein change: p.Gln906Ter; replaces glutamine 906 with a stop codon.
Molecular consequence: nonsense.
Genome position (GRCh38, 1-based): chr3:149,167,160, C>T. VCF-style: chr3-149167160-C-T. GRCh37 (hg19) VCF-style: chr3-148884947-C-T.
Other names: c.2221C>T, p.Gln741Ter (NM_001308258.2); short protein forms Q741*, Q906*.
Identifiers: ClinVar variation 5014536 (VCV005014536.1).